The following is an entry in ClinVar:

NM_173842.3(IL1RN):c.*964G>A

Gene: IL1RN (interleukin 1 receptor antagonist; plus strand). Cytogenetic location: 2q14.1.
Variant type: single nucleotide variant.
Coding change: c.*964G>A on transcript NM_173842.3 (MANE Select); 964 bases downstream of the stop codon, G replaced by A.
Molecular consequence: 3 prime UTR variant.
Genome position (GRCh38, 1-based): chr2:113,133,835, G>A. VCF-style: chr2-113133835-G-A. GRCh37 (hg19) VCF-style: chr2-113891412-G-A.
Other names: c.*964G>A (NM_000577.5, NM_001318914.2, NM_001379360.1 and 2 more transcripts).
Identifiers: ClinVar variation 330845 (VCV000330845.6), dbSNP rs9005, ClinGen allele CA10611865.

ClinVar aggregate classification (germline): Benign. Review status: criteria provided, multiple submitters, no conflicts (2 of 4 stars). 2 submissions from 2 submitters: Benign (2). Last evaluated 2018-01-13.

Conditions:
Sterile multifocal osteomyelitis with periostitis and pustulosis. Also called: CHRONIC RECURRENT MULTIFOCAL OSTEOMYELITIS 2, WITH PERIOSTITIS AND PUSTULOSIS. Identifiers: Orphanet 210115, MedGen C2748507, MONDO:0013021, OMIM 612852.

Allele frequency attached by ClinVar (database versions not stated): gnomAD 0.28345 and 0.28948; gnomAD exomes 0.29128; TOPMed 0.29598; 1000 Genomes Project 30x 0.31793; 1000 Genomes Project 0.31989.
gnomAD v4.1: 44,179 of 152,686 alleles (29%); highest among the groups gnomAD compares: Admixed American, 44%; 6,854 homozygotes.

Submissions (2):

Illumina Laboratory Services, Illumina
Classification: Benign for Sterile multifocal osteomyelitis with periostitis and pustulosis. Last evaluated: 2018-01-13. Review status: criteria provided, single submitter. Criteria: ICSL Variant Classification Criteria 13 December 2019. Collection method: clinical testing. Allele origin: germline.
Comment: This variant was observed in the ICSL laboratory as part of a predisposition screen in an ostensibly healthy population. It had not been previously curated by ICSL or reported in the Human Gene Mutation Database (HGMD: prior to June 1st, 2018), and was therefore a candidate for classification through an automated scoring system. Utilizing variant allele frequency, disease prevalence and penetrance estimates, and inheritance mode, an automated score was calculated to assess if this variant is too frequent to cause the disease. Based on the score and internal cut-off values, a variant classified as benign is not then subjected to further curation. The score for this variant resulted in a classification of benign for this disease.

Breakthrough Genomics
Classification: Benign. Review status: criteria provided, single submitter. Criteria: ACMG Guidelines, 2015. Collection method: not provided. Allele origin: germline. Inheritance: Autosomal recessive inheritance. Affected: yes.